The following is an entry in ClinVar:

NM_007327.4(GRIN1):c.968+12_968+32del

Gene: GRIN1 (glutamate ionotropic receptor NMDA type subunit 1; plus strand). Cytogenetic location: 9q34.3.
Variant type: Deletion.
Coding change: c.968+12_968+32del on transcript NM_007327.4 (MANE Select); bases 12 to 32 of the intron after coding-DNA position 968, 21 bases deleted (CTCCCCGGAGCTGGGCGGGGC).
Molecular consequence: splice donor variant.
Genome position (GRCh38, 1-based): chr9:137,157,049-137,157,069, CTCCCCGGAGCTGGGCGGGGC deleted; deleting any 21 consecutive bases within chr9:137,157,039-137,157,069 gives the same sequence; the c. name uses the placement nearest the transcript's 3' end. VCF-style (leftmost placement, unchanged base first): chr9-137157038-GTGGGCGGGGCCTCCCCGGAGC-G. GRCh37 (hg19) VCF-style: chr9-140051490-GTGGGCGGGGCCTCCCCGGAGC-G.
Other names: c.1031+12_1031+32del (NM_001185090.2, NM_001185091.2); c.968+12_968+32del (NM_021569.4, NM_000832.7).
Identifiers: ClinVar variation 3692136 (VCV003692136.2).
Genomic context (GRCh38, chr9:137,157,038, plus strand): 5'-CCCGCCGCGGGGCTGCGTGGGCAACACCAACATCTGGAAGACCGGGCCGCTCTTCAAGAG[GTGGGCGGGGCCTCCCCGGAGC>G]TGGGCGGGGCTGCTCTTGGGGAGGTGGGCGGGGTCACTCCAGAGATGGGCGGGGCCGCTC-3'

ClinVar aggregate classification (germline): Uncertain significance (1 of 4 stars; one submission).

Conditions:
Neurodevelopmental disorder with or without hyperkinetic movements and seizures, autosomal dominant. Also called: Intellectual disability, autosomal dominant 8. Identifiers: MedGen C3280282, MONDO:0013655, OMIM 614254.

Submission:

Labcorp Genetics (formerly Invitae), Labcorp
Classification: Uncertain significance for Neurodevelopmental disorder with or without hyperkinetic movements and seizures, autosomal dominant. Last evaluated: 2025-01-27. Review status: criteria provided, single submitter. Criteria: Invitae Variant Classification Sherloc (09022015). Collection method: clinical testing. Allele origin: germline.
Comment: This sequence change falls in intron 6 of the GRIN1 gene. It does not directly change the encoded amino acid sequence of the GRIN1 protein. This variant is present in population databases (no rsID available, gnomAD 0.001%). This variant has not been reported in the literature in individuals affected with GRIN1-related conditions. Experimental studies and prediction algorithms are not available or were not evaluated, and the effect of this variant on mRNA splicing is currently unknown. In summary, the available evidence is currently insufficient to determine the role of this variant in disease. Therefore, it has been classified as a Variant of Uncertain Significance.